The following is an entry in ClinVar:

ClinVar aggregate classification (germline): Conflicting classifications of pathogenicity. Review status: criteria provided, conflicting classifications (1 of 4 stars). 3 submissions from 3 submitters: Uncertain significance (2); Likely benign (1). Last evaluated 2026-04-13.

Conditions:
Inborn genetic diseases. Identifiers: MedGen C0950123, MeSH D030342.

Allele frequency attached by ClinVar (database versions not stated): gnomAD exomes 0.00001; ESP Exome Variant Server 0.00015.

Submissions (3):

GeneDx
Classification: Uncertain significance. Last evaluated: 2026-04-13. Review status: criteria provided, single submitter. Criteria: GeneDx Variant Classification Process June 2021. Collection method: clinical testing. Allele origin: germline.
Comment: In silico analysis suggests that this missense variant does not alter protein structure/function; Has not been previously published as pathogenic or benign to our knowledge

Ambry Genetics
Classification: Likely benign for Inborn genetic diseases. Last evaluated: 2024-12-05. Review status: criteria provided, single submitter. Criteria: Ambry Variant Classification Scheme 2023. Collection method: clinical testing. Allele origin: germline.

Labcorp Genetics (formerly Invitae), Labcorp
Classification: Uncertain significance. Last evaluated: 2022-08-23. Review status: criteria provided, single submitter. Criteria: Invitae Variant Classification Sherloc (09022015). Collection method: clinical testing. Allele origin: germline.
Comment: This variant has not been reported in the literature in individuals affected with CEP135-related conditions. This variant is present in population databases (rs140245520, gnomAD 0.06%). This sequence change replaces threonine, which is neutral and polar, with isoleucine, which is neutral and non-polar, at codon 265 of the CEP135 protein (p.Thr265Ile). ClinVar contains an entry for this variant (Variation ID: 1402345). In summary, the available evidence is currently insufficient to determine the role of this variant in disease. Therefore, it has been classified as a Variant of Uncertain Significance. Algorithms developed to predict the effect of missense changes on protein structure and function (SIFT, PolyPhen-2, Align-GVGD) all suggest that this variant is likely to be tolerated.

NM_025009.5(CEP135):c.794C>T (p.Thr265Ile)

Gene: CEP135 (centrosomal protein 135; plus strand). Cytogenetic location: 4q12.
Variant type: single nucleotide variant.
Coding change: c.794C>T on transcript NM_025009.5 (MANE Select); coding-DNA position 794, C replaced by T.
Protein change: p.Thr265Ile; replaces threonine 265 with isoleucine.
Molecular consequence: missense variant.
Genome position (GRCh38, 1-based): chr4:55,964,368, C>T. VCF-style: chr4-55964368-C-T. GRCh37 (hg19) VCF-style: chr4-56830534-C-T.
Other names: c.794C>T (NM_025009.3, NM_025009.4); short protein forms T265I.
Identifiers: ClinVar variation 1402345 (VCV001402345.9), dbSNP rs140245520, ClinGen allele CA2927669.
Genomic context (GRCh38, chr4:55,964,368, plus strand): 5'-CAGTTGCTTTGGATGGTGGTCGGTCCCCTGATGTCCTTTCTCTGGAGTCTAGAAATAAAA[C>T]CAATGAAAAGCTTATTGCTCATTTAAATATTCAGGTAATGGCTTTTATAATTATTTCACT-3'
Protein context (NP_079285.2, residues 255-275): DVLSLESRNK[Thr265Ile]NEKLIAHLNI